The following is an entry in ClinVar:

NM_000548.5(TSC2):c.2650T>G (p.Tyr884Asp)

Gene: TSC2 (TSC complex subunit 2; plus strand). Cytogenetic location: 16p13.3.
Variant type: single nucleotide variant.
Coding change: c.2650T>G on transcript NM_000548.5 (MANE Select); coding-DNA position 2650, T replaced by G.
Protein change: p.Tyr884Asp; replaces tyrosine 884 with aspartic acid.
Molecular consequence: missense variant. On other transcripts: non-coding transcript variant (5).
Genome position (GRCh38, 1-based): chr16:2,076,078, T>G. VCF-style: chr16-2076078-T-G. GRCh37 (hg19) VCF-style: chr16-2126079-T-G.
Other names: c.2650T>G, p.Tyr884Asp (NM_001077183.3, NM_001114382.3, NM_001363528.2 and 6 more transcripts); c.2539T>G, p.Tyr847Asp (NM_001318827.2, NM_001406670.1, NM_001406678.1); c.2503T>G, p.Tyr835Asp (NM_001318829.2, NM_001406675.1, NM_001406676.1 and 1 more transcripts); c.2050T>G, p.Tyr684Asp (NM_001318831.2, NM_001406680.1, NM_001406682.1 and 6 more transcripts); c.2683T>G, p.Tyr895Asp (NM_001318832.2); c.2188T>G, p.Tyr730Asp (NM_001406681.1); c.2740T>G, p.Tyr914Asp (NM_001406667.1, NM_001406668.1); c.2638T>G, p.Tyr880Asp (NM_001406671.1, NM_001406673.1); and 3 more; short protein forms Y730D, Y884D, Y895D, Y350D, Y684D, Y835D, Y436D, Y865D.
Identifiers: ClinVar variation 5031340 (VCV005031340.1).

ClinVar aggregate classification (germline): Uncertain significance (1 of 4 stars; one submission).

Conditions:
Hereditary cancer-predisposing syndrome. Also called: Neoplastic Syndromes, Hereditary; Tumor predisposition; Hereditary neoplastic syndrome; Hereditary Cancer Syndrome. Identifiers: Orphanet 140162, MedGen C0027672, MeSH D009386, MONDO:0015356.

gnomAD v4.1: 1 of 1,613,978 alleles (0.000062%); highest among the groups gnomAD compares: Non-Finnish European, 0.000085%; no homozygotes.

Submission:

Ambry Genetics
Classification: Uncertain significance for Hereditary cancer-predisposing syndrome. Last evaluated: 2026-07-06. Review status: criteria provided, single submitter. Criteria: Ambry Variant Classification Scheme 2023. Collection method: clinical testing. Allele origin: germline.
Comment: The p.Y884D variant (also known as c.2650T>G), located in coding exon 23 of the TSC2 gene, results from a T to G substitution at nucleotide position 2650. The tyrosine at codon 884 is replaced by aspartic acid, an amino acid with highly dissimilar properties. This amino acid position is conserved. In addition, this alteration is predicted to be deleterious by in silico analysis. Based on the available evidence, the clinical significance of this variant remains unclear.